The following is an entry in ClinVar:

NM_014014.5(SNRNP200):c.1130C>T (p.Ser377Phe)

Gene: SNRNP200 (small nuclear ribonucleoprotein U5 subunit 200; minus strand). Cytogenetic location: 2q11.2.
Variant type: single nucleotide variant.
Coding change: c.1130C>T on transcript NM_014014.5 (MANE Select); coding-DNA position 1130, C replaced by T.
Protein change: p.Ser377Phe; replaces serine 377 with phenylalanine.
Molecular consequence: missense variant.
Genome position (GRCh38, 1-based): chr2:96,297,710, G>A on the plus strand (C>T on the coding strand, the complement: SNRNP200 is on the minus strand). VCF-style: chr2-96297710-G-A. GRCh37 (hg19) VCF-style: chr2-96963448-G-A.
Other names: short protein forms S377F.
Identifiers: ClinVar variation 1380681 (VCV001380681.6), dbSNP rs2104358175, ClinGen allele CA347683632.

ClinVar aggregate classification (germline): Uncertain significance (1 of 4 stars; one submission).

gnomAD v4.1: 1 of 1,614,190 alleles (0.000062%); highest among the groups gnomAD compares: Non-Finnish European, 0.000085%; no homozygotes.

Submission:

Labcorp Genetics (formerly Invitae), Labcorp
Classification: Uncertain significance. Last evaluated: 2021-09-22. Review status: criteria provided, single submitter. Criteria: Invitae Variant Classification Sherloc (09022015). Collection method: clinical testing. Allele origin: germline.
Comment: This variant is not present in population databases (ExAC no frequency). In summary, the available evidence is currently insufficient to determine the role of this variant in disease. Therefore, it has been classified as a Variant of Uncertain Significance. Algorithms developed to predict the effect of missense changes on protein structure and function are either unavailable or do not agree on the potential impact of this missense change (SIFT: "Deleterious"; PolyPhen-2: "Benign"; Align-GVGD: "Class C0"). This variant has not been reported in the literature in individuals affected with SNRNP200-related conditions. This sequence change replaces serine with phenylalanine at codon 377 of the SNRNP200 protein (p.Ser377Phe). The serine residue is moderately conserved and there is a large physicochemical difference between serine and phenylalanine.